The following is an entry in ClinVar:

NM_001690.4(ATP6V1A):c.955C>T (p.Pro319Ser)

Gene: ATP6V1A (ATPase H+ transporting V1 subunit A; plus strand). Cytogenetic location: 3q13.31.
Variant type: single nucleotide variant.
Coding change: c.955C>T on transcript NM_001690.4 (MANE Select); coding-DNA position 955, C replaced by T.
Protein change: p.Pro319Ser; replaces proline 319 with serine.
Molecular consequence: missense variant.
Genome position (GRCh38, 1-based): chr3:113,789,807, C>T. VCF-style: chr3-113789807-C-T. GRCh37 (hg19) VCF-style: chr3-113508654-C-T.
Other names: short protein forms P319S.
Identifiers: ClinVar variation 1512702 (VCV001512702.6), dbSNP rs2108034196, ClinGen allele CA354015808.

ClinVar aggregate classification (germline): Pathogenic. Review status: criteria provided, multiple submitters, no conflicts (2 of 4 stars). 2 submissions from 2 submitters: Pathogenic (2). Last evaluated 2023-07-24.

Conditions:
Developmental and epileptic encephalopathy 93. Also called: EPILEPTIC ENCEPHALOPATHY, INFANTILE OR EARLY CHILDHOOD, 3. Identifiers: MedGen C4693934, MONDO:0020632, OMIM 618012.

Submissions (2):

Institute of Human Genetics Munich, TUM University Hospital
Classification: Pathogenic for Developmental and epileptic encephalopathy 93. Last evaluated: 2023-07-24. Review status: criteria provided, single submitter. Criteria: Classification criteria August 2017. Collection method: clinical testing. Allele origin: de novo. Inheritance: Autosomal dominant inheritance. Affected: yes. Observed: 1 variant allele.

Labcorp Genetics (formerly Invitae), Labcorp
Classification: Pathogenic. Last evaluated: 2022-10-17. Review status: criteria provided, single submitter. Criteria: Invitae Variant Classification Sherloc (09022015). Collection method: clinical testing. Allele origin: germline.
Comment: This sequence change replaces proline, which is neutral and non-polar, with serine, which is neutral and polar, at codon 319 of the ATP6V1A protein (p.Pro319Ser). This variant is not present in population databases (gnomAD no frequency). For these reasons, this variant has been classified as Pathogenic. Advanced modeling of protein sequence and biophysical properties (such as structural, functional, and spatial information, amino acid conservation, physicochemical variation, residue mobility, and thermodynamic stability) performed at Invitae indicates that this missense variant is expected to disrupt ATP6V1A protein function. ClinVar contains an entry for this variant (Variation ID: 1512702). This missense change has been observed in individual(s) with clinical features of autosomal dominant ATP6V1A-related conditions (Invitae). In at least one individual the variant was observed to be de novo.